The following is an entry in ClinVar:

NM_003972.3(BTAF1):c.4659T>C (p.Leu1553=)

Gene: BTAF1 (B-TFIID TATA-box binding protein associated factor 1; plus strand). Cytogenetic location: 10q23.32.
Variant type: single nucleotide variant.
Coding change: c.4659T>C on transcript NM_003972.3 (MANE Select); coding-DNA position 4659, T replaced by C.
Protein change: p.Leu1553=; no amino-acid change (leucine 1553 retained).
Molecular consequence: synonymous variant. On other transcripts: non-coding transcript variant (14).
Genome position (GRCh38, 1-based): chr10:92,016,414, T>C. VCF-style: chr10-92016414-T-C. GRCh37 (hg19) VCF-style: chr10-93776171-T-C.
Identifiers: ClinVar variation 2640675 (VCV002640675.24), dbSNP rs147960886, ClinGen allele CA5602166.

ClinVar aggregate classification (germline): Likely benign (1 of 4 stars; one submission).

Allele frequency attached by ClinVar (database versions not stated): 1000 Genomes Project 0.00140; 1000 Genomes Project 30x 0.00156; ESP Exome Variant Server 0.00269; TOPMed 0.00285; gnomAD 0.00321; ExAC 0.00355; gnomAD exomes 0.00391.

Submission:

CeGaT Center for Human Genetics Tuebingen
Classification: Likely benign. Last evaluated: 2023-02-01. Review status: criteria provided, single submitter. Criteria: CeGaT Center For Human Genetics Tuebingen Variant Classification Criteria Version 2. Collection method: clinical testing. Allele origin: germline. Affected: yes. Observed: 1 variant allele.
Comment: BTAF1: BP4, BP7, BS2